The following is an entry in ClinVar:

NM_001130987.2(DYSF):c.2246C>T (p.Pro749Leu)

Gene: DYSF (dysferlin; plus strand). Cytogenetic location: 2p13.2.
Variant type: single nucleotide variant.
Coding change: c.2246C>T on transcript NM_001130987.2 (MANE Select); coding-DNA position 2246, C replaced by T.
Protein change: p.Pro749Leu; replaces proline 749 with leucine.
Molecular consequence: missense variant.
Genome position (GRCh38, 1-based): chr2:71,561,781, C>T. VCF-style: chr2-71561781-C-T. GRCh37 (hg19) VCF-style: chr2-71788911-C-T.
Other names: c.2285C>T, p.Pro762Leu (NM_001130979.2); c.2243C>T, p.Pro748Leu (NM_001130980.2, NM_001130981.2); c.2288C>T, p.Pro763Leu (NM_001130982.2); c.2195C>T, p.Pro732Leu (NM_001130983.2, NM_001130455.2); c.2153C>T, p.Pro718Leu (NM_001130984.2, NM_001130986.2); c.2246C>T, p.Pro749Leu (NM_001130985.2); c.2192C>T, p.Pro731Leu (NM_003494.4, NM_001130978.2); c.2150C>T, p.Pro717Leu (NM_001130976.2, NM_001130977.2); short protein forms P717L, P718L, P732L, P762L, P763L, P731L, P749L, P748L.
Identifiers: ClinVar variation 1415146 (VCV001415146.6), dbSNP rs2152803841, ClinGen allele CA347208758.
Genomic context (GRCh38, chr2:71,561,781, plus strand): 5'-CAGGCGCATTCCATCTGTCCGTCCCTCACAGCCAGCCTCTGGGTGACATCCATGAGACAC[C>T]CTCTGCCACCCACCTGGACCAGTACCTGTACCAGCTGCGCACCCATCACCTGAGCCAAAT-3'
Protein context (NP_001124459.1, residues 739-759): SQPLGDIHET[Pro749Leu]SATHLDQYLY

ClinVar aggregate classification (germline): Uncertain significance (1 of 4 stars; one submission).

Conditions:
Neuromuscular disease caused by qualitative or quantitative defects of dysferlin. Also called: Dysferlinopathy; Qualitative or quantitative defects of dysferlin. Identifiers: Orphanet 207073, MedGen C2931687, MONDO:0016145.

Submission:

Labcorp Genetics (formerly Invitae), Labcorp
Classification: Uncertain significance for Neuromuscular disease caused by qualitative or quantitative defects of dysferlin. Last evaluated: 2021-09-06. Review status: criteria provided, single submitter. Criteria: Invitae Variant Classification Sherloc (09022015). Collection method: clinical testing. Allele origin: germline.
Comment: This sequence change replaces proline with leucine at codon 731 of the DYSF protein (p.Pro731Leu). The proline residue is moderately conserved and there is a moderate physicochemical difference between proline and leucine. This variant is not present in population databases (ExAC no frequency). This variant has not been reported in the literature in individuals affected with DYSF-related conditions. Advanced modeling of protein sequence and biophysical properties (such as structural, functional, and spatial information, amino acid conservation, physicochemical variation, residue mobility, and thermodynamic stability) performed at Invitae indicates that this missense variant is not expected to disrupt DYSF protein function. In summary, the available evidence is currently insufficient to determine the role of this variant in disease. Therefore, it has been classified as a Variant of Uncertain Significance.